The following is an entry in ClinVar:

NM_000426.4(LAMA2):c.7054_7060del (p.Ser2352fs)

Gene: LAMA2 (laminin subunit alpha 2; plus strand). Cytogenetic location: 6q22.33.
Variant type: Deletion.
Coding change: c.7054_7060del on transcript NM_000426.4 (MANE Select); coding-DNA positions 7054 to 7060, 7 bases deleted (AGCCGTC; older notation c.7054_7060delAGCCGTC).
Protein change: p.Ser2352fs; shifts the reading frame from serine 2352.
Molecular consequence: frameshift variant.
Genome position (GRCh38, 1-based): chr6:129,464,351-129,464,357, AGCCGTC deleted; deleting any 7 consecutive bases within chr6:129,464,348-129,464,357 gives the same sequence; the c. name uses the placement nearest the transcript's 3' end. VCF-style (leftmost placement, unchanged base first): chr6-129464347-GGTCAGCC-G. GRCh37 (hg19) VCF-style: chr6-129785492-GGTCAGCC-G.
Other names: c.7054_7060del, p.Ser2352fs (NM_001079823.2); short protein forms S2352fs.
Identifiers: ClinVar variation 5011409 (VCV005011409.1).

ClinVar aggregate classification (germline): Pathogenic (1 of 4 stars; one submission).

Conditions:
LAMA2-related muscular dystrophy (LAMA2-RD). Also called: Laminin alpha 2-related dystrophy. Identifiers: MedGen C5679788, MONDO:0100228.

Submission:

Myriad Genetics, Inc.
Classification: Pathogenic for LAMA2-related muscular dystrophy. Last evaluated: 2023-08-20. Review status: criteria provided, single submitter. Criteria: Myriad Autosomal Dominant, Autosomal Recessive and X-Linked Classification Criteria (2023). Collection method: clinical testing. Allele origin: unknown.
Comment: NM_000426.3(LAMA2):c.7054_7060del7(S2352Pfs*24) is expected to be pathogenic in the context of muscular dystrophy, LAMA2-related. This variant is predicted to lead to an abnormal or absent protein product due to the creation of a premature termination codon in LAMA2, a gene where loss-of-function variants are known to be pathogenic. Please note: this variant was assessed in the context of healthy population screening.